The following is an entry in ClinVar:

ClinVar aggregate classification (germline): Conflicting classifications of pathogenicity. Review status: criteria provided, conflicting classifications (1 of 4 stars). 6 submissions from 6 submitters: Likely pathogenic (4); Uncertain significance (2). Last evaluated 2025-09-17.

Conditions:
Inborn genetic diseases. Identifiers: MedGen C0950123, MeSH D030342.
Hematuria, benign familial, 1 (BFH1). Also called: THIN MEMBRANE NEPHROPATHY. Identifiers: MedGen CN376803, MONDO:0007709, OMIM 141200.
Autosomal recessive Alport syndrome (ATS2). Also called: COL4A4 Alport Syndrome and Thin Basement Membrane Nephropathy; ALPORT SYNDROME 2, AUTOSOMAL RECESSIVE; COL4A3-Related Nephropathy; Alport syndrome type 2. Identifiers: Orphanet 63, Orphanet 88919, MedGen C4746745, MONDO:0008762, OMIM 203780.
COL4A4-related disorder.
Alport syndrome. Also called: Hemorrhagic familial nephritis; Hemorrhagic hereditary nephritis; Congenital hereditary hematuria. Identifiers: Orphanet 63, MedGen C1567741, MONDO:0018965.

Allele frequency attached by ClinVar (database versions not stated): gnomAD 0.00001.
gnomAD v4.1: 2 of 1,610,378 alleles (0.00012%); highest among the groups gnomAD compares: Non-Finnish European, 0.00017%; no homozygotes.

Submissions (6):

PreventionGenetics, part of Exact Sciences
Classification: Likely pathogenic for COL4A4-related condition. Last evaluated: 2025-09-17. Review status: criteria provided, single submitter. Criteria: ACMG Guidelines, 2015. Collection method: clinical testing. Allele origin: germline.
Comment: The COL4A4 c.817G>T variant is predicted to result in the amino acid substitution p.Gly273Cys. The Gly273Cys variant affects a Gly residue of the conserved triple helical domain (residues 65 – 1459) of the COL4A4 protein. The majority of pathogenic variants in COL4A4 substitute a glycine residue to a bulkier amino acid in the triple-helical domain (Hudson et al. 1993. PubMed ID: 8253711). To our knowledge, this variant has not been reported in the literature or in a large population database (gnomAD), indicating this variant is rare. This variant is interpreted as likely pathogenic.

Natera, Inc.
Classification: Likely pathogenic for Alport syndrome. Last evaluated: 2025-09-04. Review status: criteria provided, single submitter. Criteria: Natera Variant Classification Schema (03/2026). Collection method: clinical testing. Allele origin: germline.
Comment: The c.817G>T variant in COL4A4 is a missense variant predicted to cause substitution of glycine to cysteine at amino acid 273. This variant is rare in the general population with a frequency below the threshold expected for the associated phenotype(s). This variant is located in a functionally critical region of the protein. Computational prediction algorithms indicate this variant is likely to affect gene or protein function. Given the available evidence, this variant is classified as Likely Pathogenic.

Ambry Genetics
Classification: Uncertain significance for Inborn genetic diseases. Last evaluated: 2025-05-19. Review status: criteria provided, single submitter. Criteria: Ambry Variant Classification Scheme 2023. Collection method: clinical testing. Allele origin: germline.

Fulgent Genetics
Classification: Likely pathogenic for Hematuria, benign familial, 1; Autosomal recessive Alport syndrome. Last evaluated: 2024-05-21. Review status: criteria provided, single submitter. Criteria: ACMG Guidelines, 2015. Collection method: clinical testing. Allele origin: germline.

GeneDx
Classification: Likely pathogenic. Last evaluated: 2024-03-16. Review status: criteria provided, single submitter. Criteria: GeneDx Variant Classification Process June 2021. Collection method: clinical testing. Allele origin: germline. Affected: yes.
Comment: Affects a Glycine residue in a Gly-X-Y motif in the triple helical region of the COL4A4 gene, where the majority of pathogenic missense variants occur, and is predicted to disrupt normal protein folding and function (HGMD) (PMID: 10752524); Not observed at significant frequency in large population cohorts (gnomAD); In silico analysis supports that this missense variant has a deleterious effect on protein structure/function; Has not been previously published as pathogenic or benign to our knowledge; This variant is associated with the following publications: (PMID: 10752524)

Labcorp Genetics (formerly Invitae), Labcorp
Classification: Uncertain significance. Last evaluated: 2023-10-29. Review status: criteria provided, single submitter. Criteria: Invitae Variant Classification Sherloc (09022015). Collection method: clinical testing. Allele origin: germline.
Comment: This sequence change replaces glycine, which is neutral and non-polar, with cysteine, which is neutral and slightly polar, at codon 273 of the COL4A4 protein (p.Gly273Cys). This variant is not present in population databases (gnomAD no frequency). This variant has not been reported in the literature in individuals affected with COL4A4-related conditions. ClinVar contains an entry for this variant (Variation ID: 1496073). An algorithm developed to predict the effect of missense changes on protein structure and function (PolyPhen-2) suggests that this variant is likely to be disruptive. In summary, the available evidence is currently insufficient to determine the role of this variant in disease. Therefore, it has been classified as a Variant of Uncertain Significance.

NM_000092.5(COL4A4):c.817G>T (p.Gly273Cys)

Gene: COL4A4 (collagen type IV alpha 4 chain; minus strand). Cytogenetic location: 2q36.3.
Variant type: single nucleotide variant.
Coding change: c.817G>T on transcript NM_000092.5 (MANE Select); coding-DNA position 817, G replaced by T.
Protein change: p.Gly273Cys; replaces glycine 273 with cysteine.
Molecular consequence: missense variant.
Genome position (GRCh38, 1-based): chr2:227,103,197, C>A on the plus strand (G>T on the coding strand, the complement: COL4A4 is on the minus strand). VCF-style: chr2-227103197-C-A. GRCh37 (hg19) VCF-style: chr2-227967913-C-A.
Other names: c.817G>T (NM_000092.4); short protein forms G273C.
Identifiers: ClinVar variation 1496073 (VCV001496073.13), dbSNP rs762043158, ClinGen allele CA350857859.